The following is an entry in ClinVar:

ClinVar aggregate classification (germline): Uncertain significance (1 of 4 stars; one submission).

Submission:

GeneDx
Classification: Uncertain significance. Last evaluated: 2021-01-14. Review status: criteria provided, single submitter. Criteria: GeneDx Variant Classification Process June 2021. Collection method: clinical testing. Allele origin: germline. Affected: yes.
Comment: Not observed in large population cohorts (Lek et al., 2016); In silico analysis supports that this missense variant does not alter protein structure/function; Has not been previously published as pathogenic or benign to our knowledge

NM_004168.4(SDHA):c.1842G>C (p.Gln614His)

Gene: SDHA (succinate dehydrogenase complex flavoprotein subunit A; plus strand). Cytogenetic location: 5p15.33.
Variant type: single nucleotide variant.
Coding change: c.1842G>C on transcript NM_004168.4 (MANE Select); coding-DNA position 1842, G replaced by C.
Protein change: p.Gln614His; replaces glutamine 614 with histidine.
Molecular consequence: missense variant.
Genome position (GRCh38, 1-based): chr5:254,440, G>C. VCF-style: chr5-254440-G-C. GRCh37 (hg19) VCF-style: chr5-254555-G-C.
Other names: c.1698G>C, p.Gln566His (NM_001294332.2); c.1599G>C, p.Gln533His (NM_001330758.2); short protein forms Q533H, Q566H, Q614H.
Identifiers: ClinVar variation 1317448 (VCV001317448.2), dbSNP rs2126641413, ClinGen allele CA359001901.